The following is an entry in ClinVar:

ClinVar aggregate classification (germline): Uncertain significance (1 of 4 stars; one submission).

Conditions:
Neuropathy, hereditary sensory and autonomic, type 1C. Also called: HSAN IC; HSN IC. Identifiers: Orphanet 36386, MedGen C3150896, MONDO:0013337, OMIM 613640.

Allele frequency attached by ClinVar (database versions not stated): gnomAD exomes 0.00001; TOPMed 0.00001; ExAC 0.00002.

Submission:

Labcorp Genetics (formerly Invitae), Labcorp
Classification: Uncertain significance for Neuropathy, hereditary sensory and autonomic, type 1C. Last evaluated: 2024-01-11. Review status: criteria provided, single submitter. Criteria: Invitae Variant Classification Sherloc (09022015). Collection method: clinical testing. Allele origin: germline.
Comment: This sequence change replaces glycine, which is neutral and non-polar, with arginine, which is basic and polar, at codon 52 of the SPTLC2 protein (p.Gly52Arg). This variant is present in population databases (rs746133060, gnomAD 0.003%). This variant has not been reported in the literature in individuals affected with SPTLC2-related conditions. An algorithm developed to predict the effect of missense changes on protein structure and function (PolyPhen-2) suggests that this variant is likely to be tolerated. In summary, the available evidence is currently insufficient to determine the role of this variant in disease. Therefore, it has been classified as a Variant of Uncertain Significance.

NM_004863.4(SPTLC2):c.154G>A (p.Gly52Arg)

Gene: SPTLC2 (serine palmitoyltransferase long chain base subunit 2; minus strand). Cytogenetic location: 14q24.3.
Variant type: single nucleotide variant.
Coding change: c.154G>A on transcript NM_004863.4 (MANE Select); coding-DNA position 154, G replaced by A.
Protein change: p.Gly52Arg; replaces glycine 52 with arginine.
Molecular consequence: missense variant.
Genome position (GRCh38, 1-based): chr14:77,597,359, C>T on the plus strand (G>A on the coding strand, the complement: SPTLC2 is on the minus strand). VCF-style: chr14-77597359-C-T. GRCh37 (hg19) VCF-style: chr14-78063702-C-T.
Other names: short protein forms G52R.
Identifiers: ClinVar variation 2853407 (VCV002853407.3), dbSNP rs746133060, ClinGen allele CA7289505.
Genomic context (GRCh38, chr14:77,597,359, plus strand): 5'-CAGCAACCAGCATTGGTGTTTCTTCAAAAGCTTCATTAAACGGTCTTTTATATAGTCCTC[C>T]ATTTTGTGTAACATGATGGATCTAAAAGAGAGGTTAAAAATGTTTATTTCCATCATGGCA-3'
Protein context (NP_004854.1, residues 42-62): AGQIHHVTQN[Gly52Arg]GLYKRPFNEA